The following is an entry in ClinVar:

ClinVar aggregate classification (germline): Uncertain significance. Review status: criteria provided, multiple submitters, no conflicts (2 of 4 stars). 3 submissions from 3 submitters: Uncertain significance (3). Last evaluated 2022-08-09.

Conditions:
Cystic fibrosis (CF). Also called: MUCOVISCIDOSIS. Identifiers: Orphanet 586, MedGen C0010674, MONDO:0009061, OMIM 219700. Disease mechanism: loss of function.

Submissions (3):

Labcorp Genetics (formerly Invitae), Labcorp
Classification: Uncertain significance for Cystic fibrosis. Last evaluated: 2022-08-09. Review status: criteria provided, single submitter. Criteria: Invitae Variant Classification Sherloc (09022015). Collection method: clinical testing. Allele origin: germline.
Comment: This sequence change replaces isoleucine, which is neutral and non-polar, with threonine, which is neutral and polar, at codon 807 of the CFTR protein (p.Ile807Thr). This variant is not present in population databases (gnomAD no frequency). This variant has not been reported in the literature in individuals affected with CFTR-related conditions. ClinVar contains an entry for this variant (Variation ID: 455765). Algorithms developed to predict the effect of missense changes on protein structure and function are either unavailable or do not agree on the potential impact of this missense change (SIFT: "Deleterious"; PolyPhen-2: "Benign"; Align-GVGD: "Class C25"). In summary, the available evidence is currently insufficient to determine the role of this variant in disease. Therefore, it has been classified as a Variant of Uncertain Significance.

Genome-Nilou Lab
Classification: Uncertain significance for Cystic fibrosis. Last evaluated: 2021-09-05. Review status: criteria provided, single submitter. Criteria: ACMG Guidelines, 2015. Collection method: clinical testing. Allele origin: germline. Affected: no.

Institute of Human Genetics, University of Leipzig Medical Center
Classification: Uncertain significance for Cystic fibrosis. Last evaluated: 2020-04-23. Review status: criteria provided, single submitter. Criteria: ACMG Guidelines, 2015. Collection method: clinical testing. Allele origin: unknown. Inheritance: Autosomal recessive inheritance. Affected: yes.

NM_000492.4(CFTR):c.2420T>C (p.Ile807Thr)

Gene: CFTR (CF transmembrane conductance regulator; plus strand). Cytogenetic location: 7q31.2.
Variant type: single nucleotide variant.
Coding change: c.2420T>C on transcript NM_000492.4 (MANE Select); coding-DNA position 2420, T replaced by C.
Protein change: p.Ile807Thr; replaces isoleucine 807 with threonine.
Molecular consequence: missense variant.
Genome position (GRCh38, 1-based): chr7:117,592,587, T>C. VCF-style: chr7-117592587-T-C. GRCh37 (hg19) VCF-style: chr7-117232641-T-C.
Other names: short protein forms I807T.
Identifiers: ClinVar variation 455765 (VCV000455765.11), dbSNP rs1554389471, ClinGen allele CA368981212.